The following is an entry in ClinVar:

NM_001035.3(RYR2):c.14469T>C (p.Ala4823=)

Gene: RYR2 (ryanodine receptor 2; plus strand). Cytogenetic location: 1q43.
Variant type: single nucleotide variant.
Coding change: c.14469T>C on transcript NM_001035.3 (MANE Select); coding-DNA position 14469, T replaced by C.
Protein change: p.Ala4823=; no amino-acid change (alanine 4823 retained).
Molecular consequence: synonymous variant.
Genome position (GRCh38, 1-based): chr1:237,819,071, T>C. VCF-style: chr1-237819071-T-C. GRCh37 (hg19) VCF-style: chr1-237982371-T-C.
Other names: c.14469T>C (NM_001035.2).
Identifiers: ClinVar variation 1339292 (VCV001339292.3), dbSNP rs1164805007, ClinGen allele CA424051778.

ClinVar aggregate classification (germline): Likely benign. Review status: criteria provided, multiple submitters, no conflicts (2 of 4 stars). 3 submissions from 3 submitters: Likely benign (3). Last evaluated 2025-12-14.

Conditions:
Catecholaminergic polymorphic ventricular tachycardia 1. Also called: VENTRICULAR TACHYCARDIA, CATECHOLAMINERGIC POLYMORPHIC, 1, WITH OR WITHOUT ATRIAL DYSFUNCTION AND/OR DILATED CARDIOMYOPATHY; VENTRICULAR TACHYCARDIA, STRESS-INDUCED POLYMORPHIC 1; RYR2-Related Catecholaminergic Polymorphic Ventricular Tachycardia. Identifiers: Orphanet 3286, MedGen C1631597, MONDO:0011484, OMIM 604772.

Allele frequency attached by ClinVar (database versions not stated): gnomAD exomes below 0.00001 and 0.00001.
gnomAD v4.1: 6 of 1,613,958 alleles (0.00037%); highest among the groups gnomAD compares: Non-Finnish European, 0.00051%; no homozygotes.

Submissions (3):

Labcorp Genetics (formerly Invitae), Labcorp
Classification: Likely benign for Catecholaminergic polymorphic ventricular tachycardia 1. Last evaluated: 2025-12-14. Review status: criteria provided, single submitter. Criteria: Invitae Variant Classification Sherloc (09022015). Collection method: clinical testing. Allele origin: germline.

Women's Health and Genetics/Laboratory Corporation of America, LabCorp
Classification: Likely benign. Last evaluated: 2023-09-11. Review status: criteria provided, single submitter. Criteria: LabCorp Variant Classification Summary - May 2015. Collection method: clinical testing. Allele origin: germline.

Phosphorus, Inc.
Classification: Likely benign. Last evaluated: 2022-01-19. Review status: criteria provided, single submitter. Criteria: ACMG Guidelines, 2015. Collection method: clinical testing. Allele origin: germline. Inheritance: Autosomal dominant inheritance.
Comment: This synonymous variant is a silent variation that is not predicted to change the amino acid sequence of the protein and has occurred in gnomAD with a total MAF of 0.0008% and with the highest MAF of 0.0018% in the European population. This variant has not been reported in ClinVar. This position is not conserved. In silico splicing algorithms predicted no impact on splicing (not found in scSNV and is 36 bases away from the canonical splice-site in transcript, NM_001035.2). The variant has not occurred in the literature in the association with the disease. Considering the splice distance and that it is a silent change that does not have an apparent effect on RNA splicing machinery, the variant has been classified as Likely Benign.